The following is an entry in ClinVar:

NM_002816.5(PSMD12):c.406A>G (p.Ile136Val)

Gene: PSMD12 (proteasome 26S subunit, non-ATPase 12; minus strand). Cytogenetic location: 17q24.2.
Variant type: single nucleotide variant.
Coding change: c.406A>G on transcript NM_002816.5 (MANE Select); coding-DNA position 406, A replaced by G.
Protein change: p.Ile136Val; replaces isoleucine 136 with valine.
Molecular consequence: missense variant.
Genome position (GRCh38, 1-based): chr17:67,348,654, T>C on the plus strand (A>G on the coding strand, the complement: PSMD12 is on the minus strand). VCF-style: chr17-67348654-T-C. GRCh37 (hg19) VCF-style: chr17-65344770-T-C.
Other names: c.229A>G, p.Ile77Val (NM_001316341.2); c.346A>G, p.Ile116Val (NM_174871.4); short protein forms I116V, I136V, I77V.
Identifiers: ClinVar variation 3252522 (VCV003252522.1), dbSNP rs2509685724.

ClinVar aggregate classification (germline): Uncertain significance (1 of 4 stars; one submission).

Submission:

GeneDx
Classification: Uncertain significance. Last evaluated: 2023-12-13. Review status: criteria provided, single submitter. Criteria: GeneDx Variant Classification Process June 2021. Collection method: clinical testing. Allele origin: germline. Affected: yes.
Comment: Not observed at significant frequency in large population cohorts (gnomAD); In silico analysis supports that this missense variant does not alter protein structure/function; Has not been previously published as pathogenic or benign to our knowledge